The following is an entry in ClinVar:

ClinVar aggregate classification (germline): Benign/Likely benign. Review status: criteria provided, multiple submitters, no conflicts (2 of 4 stars). 2 submissions from 2 submitters: Benign (1); Likely benign (1). Last evaluated 2023-03-17.

Allele frequency attached by ClinVar (database versions not stated): 1000 Genomes Project 0.00040; 1000 Genomes Project 30x 0.00047; ExAC 0.00071; gnomAD exomes 0.00081; gnomAD 0.00092; TOPMed 0.00097; ESP Exome Variant Server 0.00100.
gnomAD v4.1: 1,343 of 1,614,166 alleles (0.083%); highest among the groups gnomAD compares: Middle Eastern, 0.18%; 2 homozygotes.

Submissions (2):

Blueprint Genetics
Classification: Likely benign. Last evaluated: 2023-03-17. Review status: criteria provided, single submitter. Criteria: ACMG Guidelines, 2015. Collection method: clinical testing. Allele origin: germline.

CeGaT Center for Human Genetics Tuebingen
Classification: Benign. Last evaluated: 2022-04-01. Review status: criteria provided, single submitter. Criteria: CeGaT Center For Human Genetics Tuebingen Variant Classification Criteria Version 2. Collection method: clinical testing. Allele origin: germline. Affected: yes. Observed: 1 variant allele.
Comment: MACF1: BS1, BS2

NM_001394062.1(MACF1):c.9255A>G (p.Pro3085=)

Gene: MACF1 (microtubule actin crosslinking factor 1; plus strand). Cytogenetic location: 1p34.3.
Variant type: single nucleotide variant.
Coding change: c.9255A>G on transcript NM_001394062.1 (MANE Select); coding-DNA position 9255, A replaced by G.
Protein change: p.Pro3085=; no amino-acid change (proline 3085 retained).
Molecular consequence: synonymous variant. On other transcripts: intron variant (1).
Genome position (GRCh38, 1-based): chr1:39,335,843, A>G. VCF-style: chr1-39335843-A-G. GRCh37 (hg19) VCF-style: chr1-39801515-A-G.
Other names: c.4629+8490A>G (NM_012090.5).
Identifiers: ClinVar variation 2638698 (VCV002638698.25), dbSNP rs145343872, ClinGen allele CA781101.